The following is an entry in ClinVar:

ClinVar aggregate classification (germline): Uncertain significance (1 of 4 stars; one submission).

Submission:

GeneDx
Classification: Uncertain significance. Last evaluated: 2022-01-12. Review status: criteria provided, single submitter. Criteria: GeneDx Variant Classification Process June 2021. Collection method: clinical testing. Allele origin: germline. Affected: yes.
Comment: Not observed at significant frequency in large population cohorts (gnomAD); In silico analysis supports that this missense variant has a deleterious effect on protein structure/function; Has not been previously published as pathogenic or benign to our knowledge

NM_012309.5(SHANK2):c.2699C>A (p.Pro900Gln)

Gene: SHANK2 (SH3 and multiple ankyrin repeat domains 2; minus strand). Cytogenetic location: 11q13.3.
Variant type: single nucleotide variant.
Coding change: c.2699C>A on transcript NM_012309.5 (MANE Select); coding-DNA position 2699, C replaced by A.
Protein change: p.Pro900Gln; replaces proline 900 with glutamine.
Molecular consequence: missense variant.
Genome position (GRCh38, 1-based): chr11:70,487,594, G>T on the plus strand (C>A on the coding strand, the complement: SHANK2 is on the minus strand). VCF-style: chr11-70487594-G-T. GRCh37 (hg19) VCF-style: chr11-70333699-G-T.
Other names: c.1562C>A, p.Pro521Gln (NM_001379226.1); c.935C>A, p.Pro312Gln (NM_133266.5); short protein forms P312Q, P521Q, P900Q.
Identifiers: ClinVar variation 2662830 (VCV002662830.1), dbSNP rs2058829550, ClinGen allele CA381689267.